The following is an entry in ClinVar:

ClinVar aggregate classification (germline): Likely benign. Review status: criteria provided, multiple submitters, no conflicts (2 of 4 stars). 3 submissions from 3 submitters: Likely benign (3). Last evaluated 2025-06-10.

Allele frequency attached by ClinVar (database versions not stated): TOPMed 0.00009; gnomAD exomes 0.00011 and 0.00015; gnomAD 0.00015; ESP Exome Variant Server 0.00019; ExAC 0.00026.
gnomAD v4.1: 140 of 1,208,271 alleles (0.012%); highest among the groups gnomAD compares: Non-Finnish European, 0.0096%; no homozygotes.

Submissions (3):

Labcorp Genetics (formerly Invitae), Labcorp
Classification: Likely benign. Last evaluated: 2025-06-10. Review status: criteria provided, single submitter. Criteria: Invitae Variant Classification Sherloc (09022015). Collection method: clinical testing. Allele origin: germline.

Blueprint Genetics
Classification: Likely benign. Last evaluated: 2024-11-28. Review status: criteria provided, single submitter. Criteria: ACMG Guidelines, 2015. Collection method: clinical testing. Allele origin: germline.

CeGaT Center for Human Genetics Tuebingen
Classification: Likely benign. Last evaluated: 2023-08-01. Review status: criteria provided, single submitter. Criteria: CeGaT Center For Human Genetics Tuebingen Variant Classification Criteria Version 2. Collection method: clinical testing. Allele origin: germline. Affected: yes. Observed: 1 variant allele.
Comment: BCAP31: BP4, BP7, BS2

NM_001256447.2(BCAP31):c.9G>T (p.Leu3=)

Gene: BCAP31 (B cell receptor associated protein 31; minus strand). Cytogenetic location: Xq28.
Variant type: single nucleotide variant.
Coding change: c.9G>T on transcript NM_001256447.2 (MANE Select); coding-DNA position 9, G replaced by T.
Protein change: p.Leu3=; no amino-acid change (leucine 3 retained).
Molecular consequence: synonymous variant.
Genome position (GRCh38, 1-based): chrX:153,723,236, C>A on the plus strand (G>T on the coding strand, the complement: BCAP31 is on the minus strand). VCF-style: chrX-153723236-C-A. GRCh37 (hg19) VCF-style: chrX-152988691-C-A.
Other names: c.210G>T, p.Leu70= (NM_001139457.2); c.9G>T, p.Leu3= (NM_005745.8, NM_001139441.1).
Identifiers: ClinVar variation 750431 (VCV000750431.33), dbSNP rs374108743, ClinGen allele CA10549858.